The following is an entry in ClinVar:

NM_002386.4(MC1R):c.352A>G (p.Asn118Asp)

Gene: MC1R (melanocortin 1 receptor; plus strand). Cytogenetic location: 16q24.3.
Variant type: single nucleotide variant.
Coding change: c.352A>G on transcript NM_002386.4 (MANE Select); coding-DNA position 352, A replaced by G.
Protein change: p.Asn118Asp; replaces asparagine 118 with aspartic acid.
Molecular consequence: missense variant.
Genome position (GRCh38, 1-based): chr16:89,919,610, A>G. VCF-style: chr16-89919610-A-G. GRCh37 (hg19) VCF-style: chr16-89986018-A-G.
Other names: short protein forms N118D.
Identifiers: ClinVar variation 4104866 (VCV004104866.1).

ClinVar aggregate classification (germline): Uncertain significance (1 of 4 stars; one submission).

gnomAD v4.1: 1 of 1,608,382 alleles (0.000062%); highest among the groups gnomAD compares: Non-Finnish European, 0.000085%; no homozygotes.

Submission:

Ambry Genetics
Classification: Uncertain significance. Last evaluated: 2025-07-29. Review status: criteria provided, single submitter. Criteria: Ambry Variant Classification Scheme 2023. Collection method: clinical testing. Allele origin: germline.
Comment: The p.N118D variant (also known as c.352A>G), located in coding exon 1 of the MC1R gene, results from an A to G substitution at nucleotide position 352. The asparagine at codon 118 is replaced by aspartic acid, an amino acid with highly similar properties. This amino acid position is conserved. In addition, this alteration is predicted to be tolerated by in silico analysis. Based on the available evidence, the clinical significance of this variant remains unclear.